The following is an entry in ClinVar:

ClinVar aggregate classification (germline): Likely benign. Review status: criteria provided, multiple submitters, no conflicts (2 of 4 stars). 2 submissions from 2 submitters: Likely benign (2). Last evaluated 2025-10-26.

Conditions:
Kabuki syndrome. Also called: NIIKAWA-KUROKI SYNDROME; Kabuki make-up syndrome. Identifiers: Orphanet 2322, MedGen C0796004, MONDO:0016512.

Allele frequency attached by ClinVar (database versions not stated): gnomAD exomes below 0.00001; TOPMed 0.00002; gnomAD 0.00003.
gnomAD v4.1: 15 of 1,605,346 alleles (0.00093%); highest among the groups gnomAD compares: African/African-American, 0.0067%; no homozygotes.

Submissions (2):

Labcorp Genetics (formerly Invitae), Labcorp
Classification: Likely benign for Kabuki syndrome. Last evaluated: 2025-10-26. Review status: criteria provided, single submitter. Criteria: Invitae Variant Classification Sherloc (09022015). Collection method: clinical testing. Allele origin: germline.

CeGaT Center for Human Genetics Tuebingen
Classification: Likely benign. Last evaluated: 2023-07-01. Review status: criteria provided, single submitter. Criteria: CeGaT Center For Human Genetics Tuebingen Variant Classification Criteria Version 2. Collection method: clinical testing. Allele origin: germline. Affected: yes. Observed: 1 variant allele.
Comment: KMT2D: BP4, BP7

NM_003482.4(KMT2D):c.13059G>A (p.Pro4353=)

Gene: KMT2D (lysine methyltransferase 2D; minus strand). Cytogenetic location: 12q13.12.
Variant type: single nucleotide variant.
Coding change: c.13059G>A on transcript NM_003482.4 (MANE Select); coding-DNA position 13059, G replaced by A.
Protein change: p.Pro4353=; no amino-acid change (proline 4353 retained).
Molecular consequence: synonymous variant.
Genome position (GRCh38, 1-based): chr12:49,031,646, C>T on the plus strand (G>A on the coding strand, the complement: KMT2D is on the minus strand). VCF-style: chr12-49031646-C-T. GRCh37 (hg19) VCF-style: chr12-49425429-C-T.
Identifiers: ClinVar variation 1670061 (VCV001670061.31), dbSNP rs989061149, ClinGen allele CA236638833.